The following is an entry in ClinVar:

NM_000277.3(PAH):c.1097C>T (p.Pro366Leu)

Gene: PAH (phenylalanine hydroxylase; minus strand). Cytogenetic location: 12q23.2.
Variant type: single nucleotide variant.
Coding change: c.1097C>T on transcript NM_000277.3 (MANE Select); coding-DNA position 1097, C replaced by T.
Protein change: p.Pro366Leu; replaces proline 366 with leucine.
Molecular consequence: missense variant.
Genome position (GRCh38, 1-based): chr12:102,843,748, G>A on the plus strand (C>T on the coding strand, the complement: PAH is on the minus strand). VCF-style: chr12-102843748-G-A. GRCh37 (hg19) VCF-style: chr12-103237526-G-A.
Other names: c.1097C>T, p.Pro366Leu (NM_001354304.2); short protein forms P366L.
Identifiers: ClinVar variation 993142 (VCV000993142.5), dbSNP rs62516098, ClinGen allele CA386493309.

ClinVar aggregate classification (germline): Conflicting classifications of pathogenicity. Review status: criteria provided, conflicting classifications (1 of 4 stars). 2 submissions from 2 submitters: Likely pathogenic (1); Uncertain significance (1). Last evaluated 2024-07-05.

Conditions:
Phenylketonuria (PKU). Also called: OLIGOPHRENIA PHENYLPYRUVICA; Phenylketonuria (PKU); Phenylketonurias; FOLLING DISEASE. Identifiers: Orphanet 716, MedGen C0031485, MONDO:0009861, OMIM 261600. Disease mechanism: loss of function.

Allele frequency attached by ClinVar (database versions not stated): gnomAD 0.00001.

Submissions (2):

Labcorp Genetics (formerly Invitae), Labcorp
Classification: Likely pathogenic for Phenylketonuria. Last evaluated: 2024-07-05. Review status: criteria provided, single submitter. Criteria: Invitae Variant Classification Sherloc (09022015). Collection method: clinical testing. Allele origin: germline.
Comment: This sequence change replaces proline, which is neutral and non-polar, with leucine, which is neutral and non-polar, at codon 366 of the PAH protein (p.Pro366Leu). This variant is not present in population databases (gnomAD no frequency). This variant has not been reported in the literature in individuals affected with PAH-related conditions. ClinVar contains an entry for this variant (Variation ID: 993142). Advanced modeling of protein sequence and biophysical properties (such as structural, functional, and spatial information, amino acid conservation, physicochemical variation, residue mobility, and thermodynamic stability) performed at Invitae indicates that this missense variant is not expected to disrupt PAH protein function with a negative predictive value of 80%. This variant disrupts the p.Pro366 amino acid residue in PAH. Other variant(s) that disrupt this residue have been determined to be pathogenic (PMID: 17096675, 19292873, 19609714, 22841515, 26210745). This suggests that this residue is clinically significant, and that variants that disrupt this residue are likely to be disease-causing. In summary, the currently available evidence indicates that the variant is pathogenic, but additional data are needed to prove that conclusively. Therefore, this variant has been classified as Likely Pathogenic.

Quest Diagnostics Nichols Institute San Juan Capistrano
Classification: Uncertain significance. Last evaluated: 2020-03-26. Review status: criteria provided, single submitter. Criteria: Quest Diagnostics criteria. Collection method: clinical testing. Allele origin: unknown.

Literature cited by the submitters: PubMed 17096675 (cited by Labcorp Genetics (formerly Invitae), Labcorp); PubMed 19292873 (cited by Labcorp Genetics (formerly Invitae), Labcorp); PubMed 19609714 (cited by Labcorp Genetics (formerly Invitae), Labcorp); PubMed 22841515 (cited by Labcorp Genetics (formerly Invitae), Labcorp); PubMed 26210745 (cited by Labcorp Genetics (formerly Invitae), Labcorp).